The following is an entry in ClinVar:

ClinVar aggregate classification (germline): Uncertain significance. Review status: criteria provided, multiple submitters, no conflicts (2 of 4 stars). 2 submissions from 2 submitters: Uncertain significance (2). Last evaluated 2025-09-22.

Conditions:
Hereditary cancer-predisposing syndrome. Also called: Tumor predisposition; Hereditary neoplastic syndrome; Neoplastic Syndromes, Hereditary; Hereditary Cancer Syndrome. Identifiers: Orphanet 140162, MedGen C0027672, MeSH D009386, MONDO:0015356.
Neuroblastoma, susceptibility to, 3. Also called: ALK-Related Neuroblastic Tumor Susceptibility. Identifiers: Orphanet 635, MedGen C2751681, MONDO:0013083, OMIM 613014.

Allele frequency attached by ClinVar (database versions not stated): TOPMed 0.00003.
gnomAD v4.1: 7 of 1,566,066 alleles (0.00045%); highest among the groups gnomAD compares: East Asian, 0.0095%; no homozygotes.

Submissions (2):

Labcorp Genetics (formerly Invitae), Labcorp
Classification: Uncertain significance for Neuroblastoma, susceptibility to, 3. Last evaluated: 2025-09-22. Review status: criteria provided, single submitter. Criteria: Invitae Variant Classification Sherloc (09022015). Collection method: clinical testing. Allele origin: germline.
Comment: This sequence change replaces arginine, which is basic and polar, with tryptophan, which is neutral and slightly polar, at codon 121 of the ALK protein (p.Arg121Trp). This variant is not present in population databases (gnomAD no frequency). This variant has not been reported in the literature in individuals affected with ALK-related conditions. ClinVar contains an entry for this variant (Variation ID: 938797). An algorithm developed to predict the effect of missense changes on protein structure and function outputs the following: PolyPhen-2: "Benign". The tryptophan amino acid residue is found in multiple mammalian species, which suggests that this missense change does not adversely affect protein function. In summary, the available evidence is currently insufficient to determine the role of this variant in disease. Therefore, it has been classified as a Variant of Uncertain Significance.

Ambry Genetics
Classification: Uncertain significance for Hereditary cancer-predisposing syndrome. Last evaluated: 2025-08-18. Review status: criteria provided, single submitter. Criteria: Ambry Variant Classification Scheme 2023. Collection method: clinical testing. Allele origin: germline.
Comment: The p.R121W variant (also known as c.361C>T), located in coding exon 1 of the ALK gene, results from a C to T substitution at nucleotide position 361. The arginine at codon 121 is replaced by tryptophan, an amino acid with dissimilar properties. This amino acid position is not well conserved in available vertebrate species. In addition, this alteration is predicted to be tolerated by in silico analysis. Based on the available evidence, the clinical significance of this variant remains unclear.

NM_004304.5(ALK):c.361C>T (p.Arg121Trp)

Gene: ALK (ALK receptor tyrosine kinase; minus strand). Cytogenetic location: 2p23.1.
Variant type: single nucleotide variant.
Coding change: c.361C>T on transcript NM_004304.5 (MANE Select); coding-DNA position 361, C replaced by T.
Protein change: p.Arg121Trp; replaces arginine 121 with tryptophan.
Molecular consequence: missense variant.
Genome position (GRCh38, 1-based): chr2:29,920,299, G>A on the plus strand (C>T on the coding strand, the complement: ALK is on the minus strand). VCF-style: chr2-29920299-G-A. GRCh37 (hg19) VCF-style: chr2-30143165-G-A.
Other names: short protein forms R121W.
Identifiers: ClinVar variation 938797 (VCV000938797.10), dbSNP rs746089013, ClinGen allele CA346590189.